The following is an entry in ClinVar:

ClinVar aggregate classification (germline): Uncertain significance. Review status: criteria provided, multiple submitters, no conflicts (2 of 4 stars). 2 submissions from 2 submitters: Uncertain significance (2). Last evaluated 2025-12-02.

Conditions:
VPS13B-related disorder. Also called: VPS13B-related condition.
Cohen syndrome (COH1). Also called: Cutis verticis gyrata, retinitis pigmentosa, and sensorineural deafness; PEPPER SYNDROME. Identifiers: Orphanet 193, MedGen C0265223, MONDO:0008999, OMIM 216550.

Allele frequency attached by ClinVar (database versions not stated): TOPMed 0.00001.

Submissions (2):

PreventionGenetics, part of Exact Sciences
Classification: Uncertain significance for VPS13B-related condition. Last evaluated: 2025-12-02. Review status: criteria provided, single submitter. Criteria: ACMG Guidelines, 2015. Collection method: clinical testing. Allele origin: germline.
Comment: The VPS13B c.5768A>C variant is predicted to result in the amino acid substitution p.Asp1923Ala. To our knowledge, this variant has not been reported in the literature or in a large population database (gnomAD), indicating this variant is rare. At this time, the clinical significance of this variant is uncertain due to the absence of conclusive functional and genetic evidence.

Labcorp Genetics (formerly Invitae), Labcorp
Classification: Uncertain significance for Cohen syndrome. Last evaluated: 2024-11-18. Review status: criteria provided, single submitter. Criteria: Invitae Variant Classification Sherloc (09022015). Collection method: clinical testing. Allele origin: germline.
Comment: This sequence change replaces aspartic acid, which is acidic and polar, with alanine, which is neutral and non-polar, at codon 1948 of the VPS13B protein (p.Asp1948Ala). This variant is not present in population databases (gnomAD no frequency). This variant has not been reported in the literature in individuals affected with VPS13B-related conditions. ClinVar contains an entry for this variant (Variation ID: 1059629). Invitae Evidence Modeling of protein sequence and biophysical properties (such as structural, functional, and spatial information, amino acid conservation, physicochemical variation, residue mobility, and thermodynamic stability) indicates that this missense variant is expected to disrupt VPS13B protein function with a positive predictive value of 80%. In summary, the available evidence is currently insufficient to determine the role of this variant in disease. Therefore, it has been classified as a Variant of Uncertain Significance.

NM_152564.5(VPS13B):c.5768A>C (p.Asp1923Ala)

Gene: VPS13B (vacuolar protein sorting 13 homolog B; plus strand). Cytogenetic location: 8q22.2.
Variant type: single nucleotide variant.
Coding change: c.5768A>C on transcript NM_152564.5 (MANE Select); coding-DNA position 5768, A replaced by C.
Protein change: p.Asp1923Ala; replaces aspartic acid 1923 with alanine.
Molecular consequence: missense variant.
Genome position (GRCh38, 1-based): chr8:99,642,358, A>C. VCF-style: chr8-99642358-A-C. GRCh37 (hg19) VCF-style: chr8-100654586-A-C.
Other names: c.5843A>C, p.Asp1948Ala (NM_017890.5); c.5768A>C (NM_152564.4); short protein forms D1923A, D1948A.
Identifiers: ClinVar variation 1059629 (VCV001059629.9), dbSNP rs1829404418, ClinGen allele CA371873255.